The following is an entry in ClinVar:

NM_001458.5(FLNC):c.547C>T (p.Arg183Cys)

Gene: FLNC (filamin C; plus strand). Cytogenetic location: 7q32.1.
Variant type: single nucleotide variant.
Coding change: c.547C>T on transcript NM_001458.5 (MANE Select); coding-DNA position 547, C replaced by T.
Protein change: p.Arg183Cys; replaces arginine 183 with cysteine.
Molecular consequence: missense variant.
Genome position (GRCh38, 1-based): chr7:128,835,520, C>T. VCF-style: chr7-128835520-C-T. GRCh37 (hg19) VCF-style: chr7-128475574-C-T.
Other names: p.Arg183Cys; c.547C>T, p.Arg183Cys (NM_001127487.2); short protein forms R183C.
Identifiers: ClinVar variation 944619 (VCV000944619.15), dbSNP rs369221655, ClinGen allele CA4474049.
Genomic context (GRCh38, chr7:128,835,520, plus strand): 5'-CAGCGGCTGCTTGGCTGGATCCAGAACAAGGTGCCCCAGCTGCCCATCACCAACTTCAAC[C>T]GTGACTGGCAGGACGGCAAAGCTCTGGGCGCCCTGGTGGACAACTGCGCCCCCGGTGAGT-3'
Protein context (NP_001449.3, residues 173-193): VPQLPITNFN[Arg183Cys]DWQDGKALGA

ClinVar aggregate classification (germline): Conflicting classifications of pathogenicity. Review status: criteria provided, conflicting classifications (1 of 4 stars). 6 submissions from 6 submitters: Uncertain significance (5); Likely benign (1). Last evaluated 2026-03-27.

Conditions:
Distal myopathy with posterior leg and anterior hand involvement. Also called: WILLIAMS DISTAL MYOPATHY. Identifiers: Orphanet 63273, MedGen C3279722, MONDO:0013550, OMIM 614065.
Myofibrillar myopathy 5. Also called: Filaminopathy (type); FILAMINOPATHY, AUTOSOMAL DOMINANT. Identifiers: Orphanet 171445, MedGen C1836050, MONDO:0012289, OMIM 609524.
Hypertrophic cardiomyopathy 26. Also called: Cardiomyopathy, familial hypertrophic, 26. Identifiers: Orphanet 75249, MedGen C4310749, MONDO:0014883, OMIM 617047.
Cardiovascular phenotype. Identifiers: MedGen CN230736.
Cardiomyopathy (CMYO). Also called: Cardiomyopathies. Identifiers: Orphanet 167848, MedGen C0878544, MONDO:0004994, HP:0001638. Inheritance: Various modes of inheritance.
FLNC-related disorder. Also called: FLNC-related condition; FLNC-related disorders.

Allele frequency attached by ClinVar (database versions not stated): gnomAD exomes 0.00002; ExAC 0.00003; gnomAD 0.00004; TOPMed 0.00004; ESP Exome Variant Server 0.00008.
gnomAD v4.1: 31 of 1,613,588 alleles (0.0019%); highest among the groups gnomAD compares: African/African-American, 0.004%; no homozygotes.

Submissions (6):

PreventionGenetics, part of Exact Sciences
Classification: Uncertain significance for FLNC-related condition. Last evaluated: 2026-03-27. Review status: criteria provided, single submitter. Criteria: ACMG Guidelines, 2015. Collection method: clinical testing. Allele origin: germline.
Comment: The FLNC c.547C>T variant is predicted to result in the amino acid substitution p.Arg183Cys. This variant has been reported in an individual with hypertrophic cardiomyopathy (Cui et al. 2018. PubMed ID: 30411535). However, this variant is reported in 0.013% of alleles in individuals of African descent in gnomAD, including >30 heterozygotes in the most recent database (v4.1). Although we suspect that this variant may be benign, the clinical significance of this variant is currently classified as uncertain due to the absence of conclusive functional and genetic evidence.

Labcorp Genetics (formerly Invitae), Labcorp
Classification: Likely benign for Distal myopathy with posterior leg and anterior hand involvement; Myofibrillar myopathy 5; Hypertrophic cardiomyopathy 26. Last evaluated: 2025-12-27. Review status: criteria provided, single submitter. Criteria: Invitae Variant Classification Sherloc (09022015). Collection method: clinical testing. Allele origin: germline.

Blueprint Genetics
Classification: Uncertain significance. Last evaluated: 2024-02-05. Review status: criteria provided, single submitter. Criteria: ACMG Guidelines, 2015. Collection method: clinical testing. Allele origin: germline.

Mayo Clinic Laboratories, Mayo Clinic
Classification: Uncertain significance. Last evaluated: 2023-09-28. Review status: criteria provided, single submitter. Criteria: ACMG Guidelines, 2015. Collection method: clinical testing. Allele origin: germline. Observed: 1 variant allele.

Ambry Genetics
Classification: Uncertain significance for Cardiovascular phenotype. Last evaluated: 2023-09-22. Review status: criteria provided, single submitter. Criteria: Ambry Variant Classification Scheme 2023. Collection method: clinical testing. Allele origin: germline.
Comment: The p.R183C variant (also known as c.547C>T), located in coding exon 2 of the FLNC gene, results from a C to T substitution at nucleotide position 547. The arginine at codon 183 is replaced by cysteine, an amino acid with highly dissimilar properties. This alteration has been reported in a hypertrophic cardiomyopathy (HCM) cohort; however, clinical details were limited (Cui H et al. Mol Genet Genomic Med, 2018 Nov;6:1104-1113). This amino acid position is well conserved in available vertebrate species. In addition, this alteration is predicted to be tolerated by in silico analysis. Since supporting evidence is limited at this time, the clinical significance of this alteration remains unclear.

CHEO Genetics Diagnostic Laboratory, Children's Hospital of Eastern Ontario
Classification: Uncertain significance for Cardiomyopathy. Last evaluated: 2023-05-16. Review status: criteria provided, single submitter. Criteria: ACMG Guidelines, 2015. Collection method: clinical testing. Allele origin: germline.

Literature cited by the submitters: PubMed 30411535 (cited by Mayo Clinic Laboratories, Mayo Clinic and Ambry Genetics).